The following is an entry in ClinVar:

NM_018896.5(CACNA1G):c.971C>T (p.Ser324Leu)

Gene: CACNA1G (calcium voltage-gated channel subunit alpha1 G; plus strand). Cytogenetic location: 17q21.33.
Variant type: single nucleotide variant.
Coding change: c.971C>T on transcript NM_018896.5 (MANE Select); coding-DNA position 971, C replaced by T.
Protein change: p.Ser324Leu; replaces serine 324 with leucine.
Molecular consequence: missense variant. On other transcripts: non-coding transcript variant (5).
Genome position (GRCh38, 1-based): chr17:50,572,778, C>T. VCF-style: chr17-50572778-C-T. GRCh37 (hg19) VCF-style: chr17-48650139-C-T.
Other names: c.971C>T, p.Ser324Leu (NM_001256361.2, NM_198387.3, NM_198388.3 and 24 more transcripts); short protein forms S324L.
Identifiers: ClinVar variation 3343002 (VCV003343002.1).

ClinVar aggregate classification (germline): Uncertain significance (1 of 4 stars; one submission).

Submission:

GeneDx
Classification: Uncertain significance. Last evaluated: 2023-04-04. Review status: criteria provided, single submitter. Criteria: GeneDx Variant Classification Process June 2021. Collection method: clinical testing. Allele origin: germline. Affected: yes.
Comment: Not observed at significant frequency in large population cohorts (gnomAD); In silico analysis supports that this missense variant has a deleterious effect on protein structure/function; Has not been previously published as pathogenic or benign to our knowledge